The following is an entry in ClinVar:

NM_000186.4(CFH):c.2153A>G (p.Asn718Ser)

Gene: CFH (complement factor H; plus strand). Cytogenetic location: 1q31.3.
Variant type: single nucleotide variant.
Coding change: c.2153A>G on transcript NM_000186.4 (MANE Select); coding-DNA position 2153, A replaced by G.
Protein change: p.Asn718Ser; replaces asparagine 718 with serine.
Molecular consequence: missense variant.
Genome position (GRCh38, 1-based): chr1:196,726,857, A>G. VCF-style: chr1-196726857-A-G. GRCh37 (hg19) VCF-style: chr1-196695987-A-G.
Other names: short protein forms N718S.
Identifiers: ClinVar variation 2135626 (VCV002135626.2), dbSNP rs140984162, ClinGen allele CA1305589.
Genomic context (GRCh38, chr1:196,726,857, plus strand): 5'-AACATGGCTGGGCCCAGCTTTCTTCCCCTCCTTATTACTATGGAGATTCAGTGGAATTCA[A>G]TTGCTCAGAATCATTTACAATGATTGGACACAGATCAATTACGTGTATTCATGGAGTATG-3'
Protein context (NP_000177.2, residues 708-728): PYYYGDSVEF[Asn718Ser]CSESFTMIGH

ClinVar aggregate classification (germline): Uncertain significance (1 of 4 stars; one submission).

Allele frequency attached by ClinVar (database versions not stated): ExAC 0.00001; TOPMed 0.00001; gnomAD 0.00002; ESP Exome Variant Server 0.00015.
gnomAD v4.1: 5 of 1,613,724 alleles (0.00031%); highest among the groups gnomAD compares: African/African-American, 0.004%; no homozygotes.

Submission:

Labcorp Genetics (formerly Invitae), Labcorp
Classification: Uncertain significance. Last evaluated: 2022-04-16. Review status: criteria provided, single submitter. Criteria: Invitae Variant Classification Sherloc (09022015). Collection method: clinical testing. Allele origin: germline.
Comment: This variant is present in population databases (rs140984162, gnomAD 0.01%). This variant has not been reported in the literature in individuals affected with CFH-related conditions. Algorithms developed to predict the effect of missense changes on protein structure and function output the following: SIFT: "Tolerated"; PolyPhen-2: "Benign"; Align-GVGD: "Class C0". The serine amino acid residue is found in multiple mammalian species, which suggests that this missense change does not adversely affect protein function. In summary, the available evidence is currently insufficient to determine the role of this variant in disease. Therefore, it has been classified as a Variant of Uncertain Significance. This sequence change replaces asparagine, which is neutral and polar, with serine, which is neutral and polar, at codon 718 of the CFH protein (p.Asn718Ser).